The following is an entry in ClinVar:

NM_000138.5(FBN1):c.5254A>C (p.Arg1752=)

Gene: FBN1 (fibrillin 1; minus strand). Cytogenetic location: 15q21.1.
Variant type: single nucleotide variant.
Coding change: c.5254A>C on transcript NM_000138.5 (MANE Select); coding-DNA position 5254, A replaced by C.
Protein change: p.Arg1752=; no amino-acid change (arginine 1752 retained).
Molecular consequence: synonymous variant.
Genome position (GRCh38, 1-based): chr15:48,460,288, T>G on the plus strand (A>C on the coding strand, the complement: FBN1 is on the minus strand). VCF-style: chr15-48460288-T-G. GRCh37 (hg19) VCF-style: chr15-48752485-T-G.
Other names: c.5254A>C, p.Arg1752= (NM_001406716.1).
Identifiers: ClinVar variation 3070099 (VCV003070099.1), dbSNP rs2505485584, ClinGen allele CA490024135.
Genomic context (GRCh38, chr15:48,460,288, plus strand): 5'-AATGCCGTCATGACTCACCAACGGGTAAACCGGTATAAATGTCGATGACAAAGCCTGGCC[T>G]TTGACTTCCACAGAGTGTAGCAAACTCATCTGCAATGATTAAACAAAGGTGGGATGGGAG-3'
Protein context (NP_000129.3, residues 1742-1762): DEFATLCGSQ[Arg1752=]PGFVIDIYTG

ClinVar aggregate classification (germline): Likely benign (1 of 4 stars; one submission).

Conditions:
Marfan syndrome (MFS). Also called: MARFAN SYNDROME, TYPE I; Marfan syndrome type 1; Marfan's syndrome; Marfan syndrome, classic; FBN1-Related Marfan Syndrome. Identifiers: Orphanet 284963, Orphanet 558, MedGen C0024796, MONDO:0007947, OMIM 154700.

Submission:

All of Us Research Program, National Institutes of Health
Classification: Likely benign for Marfan syndrome. Last evaluated: 2023-04-03. Review status: criteria provided, single submitter. Criteria: ACMG Guidelines, 2015. Collection method: clinical testing. Allele origin: germline. Inheritance: Autosomal dominant inheritance. Observed: 1 variant allele, 1 heterozygote.
Comment: This study involves interpretation of variants in research participants for the purpose of population health screening. Participant phenotype was not available at the time of variant classification. Additional details can be found in publication PMID: 35346344, PMCID: PMC8962531